The following is an entry in ClinVar:

NM_001110556.2(FLNA):c.6230A>T (p.Tyr2077Phe)

Gene: FLNA (filamin A; minus strand). Cytogenetic location: Xq28.
Variant type: single nucleotide variant.
Coding change: c.6230A>T on transcript NM_001110556.2 (MANE Select); coding-DNA position 6230, A replaced by T.
Protein change: p.Tyr2077Phe; replaces tyrosine 2077 with phenylalanine.
Molecular consequence: missense variant.
Genome position (GRCh38, 1-based): chrX:154,352,921, T>A on the plus strand (A>T on the coding strand, the complement: FLNA is on the minus strand). VCF-style: chrX-154352921-T-A. GRCh37 (hg19) VCF-style: chrX-153581289-T-A.
Other names: c.6206A>T, p.Tyr2069Phe (NM_001456.4); short protein forms Y2077F, Y2069F.
Identifiers: ClinVar variation 3850740 (VCV003850740.1).

ClinVar aggregate classification (germline): Uncertain significance (1 of 4 stars; one submission).

Conditions:
Familial thoracic aortic aneurysm and aortic dissection (TAAD). Also called: Thoracic aortic aneurysms and dissections. Identifiers: Orphanet 91387, MedGen C4707243, MONDO:0019625.

Submission:

Ambry Genetics
Classification: Uncertain significance for Familial thoracic aortic aneurysm and aortic dissection. Last evaluated: 2024-12-12. Review status: criteria provided, single submitter. Criteria: Ambry Variant Classification Scheme 2023. Collection method: clinical testing. Allele origin: germline.
Comment: The p.Y2069F variant (also known as c.6206A>T), located in coding exon 37 of the FLNA gene, results from an A to T substitution at nucleotide position 6206. The tyrosine at codon 2069 is replaced by phenylalanine, an amino acid with highly similar properties. This amino acid position is highly conserved in available vertebrate species. In addition, the in silico prediction for this alteration is inconclusive. Based on the available evidence, the clinical significance of this variant remains unclear.